The following is an entry in ClinVar:

NM_004360.5(CDH1):c.1150G>T (p.Val384Leu)

Gene: CDH1 (cadherin 1; plus strand). Cytogenetic location: 16q22.1.
Variant type: single nucleotide variant.
Coding change: c.1150G>T on transcript NM_004360.5 (MANE Select); coding-DNA position 1150, G replaced by T.
Protein change: p.Val384Leu; replaces valine 384 with leucine.
Molecular consequence: missense variant. On other transcripts: 5 prime UTR variant (2), intron variant (1).
Genome position (GRCh38, 1-based): chr16:68,813,325, G>T. VCF-style: chr16-68813325-G-T. GRCh37 (hg19) VCF-style: chr16-68847228-G-T.
Other names: c.-466G>T (NM_001317185.2); c.-670G>T (NM_001317186.2); c.1137+1062G>T (NM_001317184.2); short protein forms V384L.
Identifiers: ClinVar variation 5033950 (VCV005033950.1).

ClinVar aggregate classification (germline): Uncertain significance (1 of 4 stars; one submission).

Conditions:
Hereditary cancer-predisposing syndrome. Also called: Neoplastic Syndromes, Hereditary; Tumor predisposition; Hereditary neoplastic syndrome; Hereditary Cancer Syndrome. Identifiers: Orphanet 140162, MedGen C0027672, MeSH D009386, MONDO:0015356.

gnomAD v4.1: 1 of 1,614,154 alleles (0.000062%); no homozygotes.

Submission:

Ambry Genetics
Classification: Uncertain significance for Hereditary cancer-predisposing syndrome. Last evaluated: 2026-07-06. Review status: criteria provided, single submitter. Criteria: Ambry Variant Classification Scheme 2023. Collection method: clinical testing. Allele origin: germline.
Comment: The p.V384L variant (also known as c.1150G>T), located in coding exon 9 of the CDH1 gene, results from a G to T substitution at nucleotide position 1150. The valine at codon 384 is replaced by leucine, an amino acid with highly similar properties. This amino acid position is conserved. In addition, the in silico prediction for this alteration is inconclusive. Based on the available evidence, the clinical significance of this variant remains unclear.